The following is an entry in ClinVar:

ClinVar aggregate classification (germline): Uncertain significance. Review status: criteria provided, multiple submitters, no conflicts (2 of 4 stars). 2 submissions from 2 submitters: Uncertain significance (2). Last evaluated 2025-02-28.

Conditions:
Inborn genetic diseases. Identifiers: MedGen C0950123, MeSH D030342.
Intellectual developmental disorder 61. Also called: INTELLECTUAL DEVELOPMENTAL DISORDER, AUTOSOMAL DOMINANT 61; MENTAL RETARDATION, AUTOSOMAL DOMINANT 61. Identifiers: MedGen C5231400, MONDO:0032485, OMIM 618009.

Submissions (2):

Laboratorio de Genetica e Diagnostico Molecular, Hospital Israelita Albert Einstein
Classification: Uncertain significance for Intellectual developmental disorder 61. Last evaluated: 2025-02-28. Review status: criteria provided, single submitter. Criteria: ACMG Guidelines, 2015. Collection method: clinical testing. Allele origin: germline. Affected: yes.
Comment: ACMG classification criteria: PM2 supporting, PP2 supporting

Ambry Genetics
Classification: Uncertain significance for Inborn genetic diseases. Last evaluated: 2021-09-30. Review status: criteria provided, single submitter. Criteria: Ambry Variant Classification Scheme 2023. Collection method: clinical testing. Allele origin: germline.

NM_005121.3(MED13):c.4882G>A (p.Gly1628Ser)

Gene: MED13 (mediator complex subunit 13; minus strand). Cytogenetic location: 17q23.2.
Variant type: single nucleotide variant.
Coding change: c.4882G>A on transcript NM_005121.3 (MANE Select); coding-DNA position 4882, G replaced by A.
Protein change: p.Gly1628Ser; replaces glycine 1628 with serine.
Molecular consequence: missense variant.
Genome position (GRCh38, 1-based): chr17:61,962,934, C>T on the plus strand (G>A on the coding strand, the complement: MED13 is on the minus strand). VCF-style: chr17-61962934-C-T. GRCh37 (hg19) VCF-style: chr17-60040295-C-T.
Other names: short protein forms G1628S.
Identifiers: ClinVar variation 2252877 (VCV002252877.3), dbSNP rs2509235433, ClinGen allele CA400495104.